The following is an entry in ClinVar:

ClinVar aggregate classification (germline): Conflicting classifications of pathogenicity. Review status: criteria provided, conflicting classifications (1 of 4 stars). 7 submissions from 7 submitters: Uncertain significance (1); Benign (2); Likely benign (3). 1 of the submissions does not count toward it. Last evaluated 2026-01-26.

Conditions:
SDHAF2-related disorder. Also called: SDHAF2-related condition.
Hereditary pheochromocytoma and paraganglioma. Also called: Hereditary Paraganglioma-Pheochromocytoma Syndromes; Hereditary paragangliomas and pheochromocytomas; Hereditary pheochromocytoma-paraganglioma. Identifiers: Orphanet 29072, MedGen C4274332, MONDO:0017366.
Hereditary cancer-predisposing syndrome. Also called: Neoplastic Syndromes, Hereditary; Tumor predisposition; Hereditary neoplastic syndrome; Hereditary Cancer Syndrome. Identifiers: Orphanet 140162, MedGen C0027672, MeSH D009386, MONDO:0015356.

Allele frequency attached by ClinVar (database versions not stated): gnomAD below 0.00001 and 0.00009; TOPMed 0.00001; gnomAD exomes 0.00017 and 0.00031; 1000 Genomes Project 30x 0.00031; ExAC 0.00036; 1000 Genomes Project 0.00040.
gnomAD v4.1: 269 of 1,613,704 alleles (0.017%); highest among the groups gnomAD compares: South Asian, 0.28%; 3 homozygotes.

Submissions (7):

Labcorp Genetics (formerly Invitae), Labcorp
Classification: Likely benign for Hereditary pheochromocytoma and paraganglioma. Last evaluated: 2026-01-26. Review status: criteria provided, single submitter. Criteria: Invitae Variant Classification Sherloc (09022015). Collection method: clinical testing. Allele origin: germline.

Blueprint Genetics
Classification: Uncertain significance. Last evaluated: 2024-05-14. Review status: criteria provided, single submitter. Criteria: ACMG Guidelines, 2015. Collection method: clinical testing. Allele origin: germline.

Color Diagnostics, LLC DBA Color Health
Classification: Likely benign for Hereditary pheochromocytoma and paraganglioma. Last evaluated: 2022-11-06. Review status: criteria provided, single submitter. Criteria: ACMG Guidelines, 2015. Collection method: clinical testing. Allele origin: germline.

CeGaT Center for Human Genetics Tuebingen
Classification: Benign. Last evaluated: 2022-08-01. Review status: criteria provided, single submitter. Criteria: CeGaT Center For Human Genetics Tuebingen Variant Classification Criteria Version 2. Collection method: clinical testing. Allele origin: germline. Affected: yes. Observed: 1 variant allele.
Comment: SDHAF2: BS1, BS2

Ambry Genetics
Classification: Likely benign for Hereditary cancer-predisposing syndrome. Last evaluated: 2020-02-26. Review status: criteria provided, single submitter. Criteria: Ambry Variant Classification Scheme 2023. Collection method: clinical testing. Allele origin: germline.

Illumina Laboratory Services, Illumina
Classification: Benign for Hereditary Paraganglioma-Pheochromocytoma Syndromes. Last evaluated: 2018-01-13. Review status: criteria provided, single submitter. Criteria: ICSL Variant Classification Criteria 13 December 2019. Collection method: clinical testing. Allele origin: germline.
Comment: This variant was observed in the ICSL laboratory as part of a predisposition screen in an ostensibly healthy population. It had not been previously curated by ICSL or reported in the Human Gene Mutation Database (HGMD: prior to June 1st, 2018), and was therefore a candidate for classification through an automated scoring system. Utilizing variant allele frequency, disease prevalence and penetrance estimates, and inheritance mode, an automated score was calculated to assess if this variant is too frequent to cause the disease. Based on the score and internal cut-off values, a variant classified as benign is not then subjected to further curation. The score for this variant resulted in a classification of benign for this disease.

PreventionGenetics, part of Exact Sciences
Classification: Likely benign for SDHAF2-related condition. Last evaluated: 2022-04-13. Review status: no assertion criteria provided. Collection method: clinical testing. Allele origin: germline. Not counted in ClinVar's aggregate classification.
Comment: This variant is classified as likely benign based on ACMG/AMP sequence variant interpretation guidelines (Richards et al. 2015 PMID: 25741868, with internal and published modifications).

NM_017841.4(SDHAF2):c.269C>T (p.Ala90Val)

Gene: SDHAF2 (succinate dehydrogenase complex assembly factor 2; plus strand). Cytogenetic location: 11q12.2.
Variant type: single nucleotide variant.
Coding change: c.269C>T on transcript NM_017841.4 (MANE Select); coding-DNA position 269, C replaced by T.
Protein change: p.Ala90Val; replaces alanine 90 with valine.
Molecular consequence: missense variant.
Genome position (GRCh38, 1-based): chr11:61,438,012, C>T. VCF-style: chr11-61438012-C-T. GRCh37 (hg19) VCF-style: chr11-61205484-C-T.
Other names: short protein forms A90V.
Identifiers: ClinVar variation 700945 (VCV000700945.44), dbSNP rs373951663, ClinGen allele CA058321.